The following is an entry in ClinVar:

NC_000012.11:g.(?_21629835)_(21652504_?)del

Gene: RECQL (RecQ like helicase; minus strand). Cytogenetic location: 12p12.1.
Variant type: Deletion.
Identifiers: ClinVar variation 2424569 (VCV002424569.4).

ClinVar aggregate classification (germline): Uncertain significance (1 of 4 stars; one submission).

Submission:

Labcorp Genetics (formerly Invitae), Labcorp
Classification: Uncertain significance. Last evaluated: 2022-02-04. Review status: criteria provided, single submitter. Criteria: Invitae Variant Classification Sherloc (09022015). Collection method: clinical testing. Allele origin: germline.
Comment: In summary, the available evidence is currently insufficient to determine the role of this variant in disease. Therefore, it has been classified as a Variant of Uncertain Significance. This variant has not been reported in the literature in individuals affected with RECQL-related conditions. This variant is a gross deletion of the genomic region encompassing exon(s) 2-8 of the RECQL gene, which includes the initiator codon. This deletion extends beyond the assayed region for this gene and therefore may encompass additional genes. It is expected to result in an absent or disrupted protein product. However, the current clinical and genetic evidence is not sufficient to establish whether loss-of-function variants in RECQL cause disease.